The following is an entry in ClinVar:

NM_001100913.3(PACS2):c.2126C>T (p.Ser709Leu)

Gene: PACS2 (phosphofurin acidic cluster sorting protein 2; plus strand). Cytogenetic location: 14q32.33.
Variant type: single nucleotide variant.
Coding change: c.2126C>T on transcript NM_001100913.3 (MANE Select); coding-DNA position 2126, C replaced by T.
Protein change: p.Ser709Leu; replaces serine 709 with leucine.
Molecular consequence: missense variant.
Genome position (GRCh38, 1-based): chr14:105,391,637, C>T. VCF-style: chr14-105391637-C-T. GRCh37 (hg19) VCF-style: chr14-105857974-C-T.
Other names: c.1856C>T, p.Ser619Leu (NM_001243127.3); c.2081C>T, p.Ser694Leu (NM_015197.4); short protein forms S709L, S619L, S694L.
Identifiers: ClinVar variation 1963421 (VCV001963421.5), dbSNP rs782260236, ClinGen allele CA7389162.

ClinVar aggregate classification (germline): Uncertain significance (1 of 4 stars; one submission).

Allele frequency attached by ClinVar (database versions not stated): gnomAD 0.00002; ExAC 0.00001; TOPMed 0.00001.
gnomAD v4.1: 28 of 1,609,178 alleles (0.0017%); highest among the groups gnomAD compares: East Asian, 0.011%; no homozygotes.

Submission:

Labcorp Genetics (formerly Invitae), Labcorp
Classification: Uncertain significance. Last evaluated: 2025-12-03. Review status: criteria provided, single submitter. Criteria: Invitae Variant Classification Sherloc (09022015). Collection method: clinical testing. Allele origin: germline.
Comment: This sequence change replaces serine, which is neutral and polar, with leucine, which is neutral and non-polar, at codon 709 of the PACS2 protein (p.Ser709Leu). This variant is present in population databases (rs782260236, gnomAD 0.01%). This variant has not been reported in the literature in individuals affected with PACS2-related conditions. ClinVar contains an entry for this variant (Variation ID: 1963421). Invitae Evidence Modeling of protein sequence and biophysical properties (such as structural, functional, and spatial information, amino acid conservation, physicochemical variation, residue mobility, and thermodynamic stability) indicates that this missense variant is not expected to disrupt PACS2 protein function with a negative predictive value of 80%. In summary, the available evidence is currently insufficient to determine the role of this variant in disease. Therefore, it has been classified as a Variant of Uncertain Significance.